The following is an entry in ClinVar:

NM_000548.5(TSC2):c.1040A>G (p.Lys347Arg)

Gene: TSC2 (TSC complex subunit 2; plus strand). Cytogenetic location: 16p13.3.
Variant type: single nucleotide variant.
Coding change: c.1040A>G on transcript NM_000548.5 (MANE Select); coding-DNA position 1040, A replaced by G.
Protein change: p.Lys347Arg; replaces lysine 347 with arginine.
Molecular consequence: missense variant.
Genome position (GRCh38, 1-based): chr16:2,060,734, A>G. VCF-style: chr16-2060734-A-G. GRCh37 (hg19) VCF-style: chr16-2110735-A-G.
Other names: c.1040A>G, p.Lys347Arg (NM_001077183.3, NM_001114382.3, NM_001363528.2 and 3 more transcripts); c.929A>G, p.Lys310Arg (NM_001318827.2); c.893A>G, p.Lys298Arg (NM_001318829.2); c.440A>G, p.Lys147Arg (NM_001318831.2); c.1073A>G, p.Lys358Arg (NM_001318832.2); short protein forms K347R, K310R, K147R, K298R, K358R.
Identifiers: ClinVar variation 64956 (VCV000064956.38), dbSNP rs367963898, ClinGen allele CA013642.

ClinVar aggregate classification (germline): Conflicting classifications of pathogenicity. Review status: criteria provided, conflicting classifications (1 of 4 stars). 8 submissions from 8 submitters: Uncertain significance (3); Benign (1); Likely benign (3). 1 of the submissions does not count toward it. Last evaluated 2026-02-04.

Conditions:
Hereditary cancer-predisposing syndrome. Also called: Tumor predisposition; Hereditary Cancer Syndrome; Neoplastic Syndromes, Hereditary; Hereditary neoplastic syndrome. Identifiers: Orphanet 140162, MedGen C0027672, MeSH D009386, MONDO:0015356.
Tuberous sclerosis syndrome (TSC). Also called: Tuberous Sclerosis Complex; Tuberous sclerosis. Identifiers: Orphanet 805, MedGen C0041341, MONDO:0001734.
Tuberous sclerosis 2 (TSC2). Identifiers: Orphanet 805, MedGen C1860707, MONDO:0013199, OMIM 613254.

Allele frequency attached by ClinVar (database versions not stated): gnomAD exomes 0.00002; TOPMed 0.00002; gnomAD 0.00007; ESP Exome Variant Server 0.00008; ExAC 0.00002.

Submissions (8):

Labcorp Genetics (formerly Invitae), Labcorp
Classification: Benign for Tuberous sclerosis 2. Last evaluated: 2026-02-04. Review status: criteria provided, single submitter. Criteria: Invitae Variant Classification Sherloc (09022015). Collection method: clinical testing. Allele origin: germline.

All of Us Research Program, National Institutes of Health
Classification: Uncertain significance for Tuberous sclerosis syndrome. Last evaluated: 2024-07-20. Review status: criteria provided, single submitter. Criteria: ACMG Guidelines, 2015. Collection method: clinical testing. Allele origin: germline. Inheritance: Autosomal dominant inheritance. Observed: 8 variant alleles, 8 heterozygotes.
Comment: This missense variant replaces lysine with arginine at codon 347 of the TSC2 protein. Computational prediction suggests that this variant may not impact protein structure and function (internally defined REVEL score threshold <= 0.5, PMID: 27666373). To our knowledge, functional studies have not been reported for this variant. This variant has not been reported in individuals affected with tuberous sclerosis complex in the literature. This variant has been identified in 11/282720 chromosomes in the general population by the Genome Aggregation Database (gnomAD). The available evidence is insufficient to determine the role of this variant in disease conclusively. Therefore, this variant is classified as a Variant of Uncertain Significance.

This study involves interpretation of variants in research participants for the purpose of population health screening. Participant phenotype was not available at the time of variant classification. Additional details can be found in publication PMID: 35346344, PMCID: PMC8962531

Color Diagnostics, LLC DBA Color Health
Classification: Uncertain significance for Tuberous sclerosis syndrome. Last evaluated: 2024-05-15. Review status: criteria provided, single submitter. Criteria: ACMG Guidelines, 2015. Collection method: clinical testing. Allele origin: germline.
Comment: This missense variant replaces lysine with arginine at codon 347 of the TSC2 protein. Computational prediction suggests that this variant may not impact protein structure and function. To our knowledge, functional studies have not been reported for this variant. This variant has not been reported in individuals affected with TSC2-related disorders in the literature. This variant has been identified in 11/282720 chromosomes in the general population by the Genome Aggregation Database (gnomAD). The available evidence is insufficient to determine the role of this variant in disease conclusively. Therefore, this variant is classified as a Variant of Uncertain Significance.

Genome-Nilou Lab
Classification: Likely benign for Tuberous sclerosis 2. Last evaluated: 2021-11-07. Review status: criteria provided, single submitter. Criteria: ACMG Guidelines, 2015. Collection method: clinical testing. Allele origin: germline. Affected: no.

Sema4
Classification: Likely benign for Hereditary cancer-predisposing syndrome. Last evaluated: 2021-09-07. Review status: criteria provided, single submitter. Criteria: Sema4 Curation Guidelines. Collection method: curation. Allele origin: germline.

Ambry Genetics
Classification: Likely benign for Hereditary cancer-predisposing syndrome. Last evaluated: 2017-09-18. Review status: criteria provided, single submitter. Criteria: Ambry Variant Classification Scheme 2023. Collection method: clinical testing. Allele origin: germline.

Illumina Laboratory Services, Illumina
Classification: Uncertain significance for Tuberous sclerosis syndrome. Last evaluated: 2017-04-27. Review status: criteria provided, single submitter. Criteria: ICSL Variant Classification Criteria 13 December 2019. Collection method: clinical testing. Allele origin: germline.

Tuberous sclerosis database (TSC2)
No classification provided. Condition: TSC. Review status: no classification provided. Criteria: Tuberous Sclerosis Database Assertion Criteria 2015. Collection method: curation. Allele origin: germline. Affected: yes. Not counted in ClinVar's aggregate classification.